The following is an entry in ClinVar:

ClinVar aggregate classification (germline): Uncertain significance (1 of 4 stars; one submission).

Allele frequency attached by ClinVar (database versions not stated): ExAC 0.00001.
gnomAD v4.1: 1 of 1,614,150 alleles (0.000062%); highest among the groups gnomAD compares: Non-Finnish European, 0.000085%; no homozygotes.

Submission:

Labcorp Genetics (formerly Invitae), Labcorp
Classification: Uncertain significance. Last evaluated: 2023-07-03. Review status: criteria provided, single submitter. Criteria: Invitae Variant Classification Sherloc (09022015). Collection method: clinical testing. Allele origin: germline.
Comment: This variant has not been reported in the literature in individuals affected with PDE6A-related conditions. In summary, the available evidence is currently insufficient to determine the role of this variant in disease. Therefore, it has been classified as a Variant of Uncertain Significance. Advanced modeling of protein sequence and biophysical properties (such as structural, functional, and spatial information, amino acid conservation, physicochemical variation, residue mobility, and thermodynamic stability) performed at Invitae indicates that this missense variant is not expected to disrupt PDE6A protein function. ClinVar contains an entry for this variant (Variation ID: 1356940). This variant is present in population databases (rs767744053, gnomAD 0.0009%). This sequence change replaces isoleucine, which is neutral and non-polar, with methionine, which is neutral and non-polar, at codon 601 of the PDE6A protein (p.Ile601Met).

NM_000440.3(PDE6A):c.1803T>G (p.Ile601Met)

Gene: PDE6A (phosphodiesterase 6A; minus strand). Cytogenetic location: 5q32.
Variant type: single nucleotide variant.
Coding change: c.1803T>G on transcript NM_000440.3 (MANE Select); coding-DNA position 1803, T replaced by G.
Protein change: p.Ile601Met; replaces isoleucine 601 with methionine.
Molecular consequence: missense variant.
Genome position (GRCh38, 1-based): chr5:149,886,300, A>C on the plus strand (T>G on the coding strand, the complement: PDE6A is on the minus strand). VCF-style: chr5-149886300-A-C. GRCh37 (hg19) VCF-style: chr5-149265863-A-C.
Other names: short protein forms I601M.
Identifiers: ClinVar variation 1356940 (VCV001356940.6), dbSNP rs767744053, ClinGen allele CA3504534.